The following is an entry in ClinVar:

NM_000719.7(CACNA1C):c.5784+199G>A

Genes: CACNA1C (calcium voltage-gated channel subunit alpha1 C; plus strand), CACNA1C-AS1 (CACNA1C antisense RNA 1; minus strand). Cytogenetic location: 12p13.33.
Variant type: single nucleotide variant.
Coding change: c.5784+199G>A on transcript NM_000719.7 (MANE Select); 199 bases into the intron after coding-DNA position 5784, G replaced by A.
Molecular consequence: intron variant.
Genome position (GRCh38, 1-based): chr12:2,686,468, G>A. VCF-style: chr12-2686468-G-A. GRCh37 (hg19) VCF-style: chr12-2795634-G-A.
Other names: c.5889+199G>A (NM_001167624.3, NM_001129830.3); c.5784+199G>A (NM_001167623.2, NM_001129840.2, NM_001129842.2 and 2 more transcripts); c.5964+199G>A (NM_001167625.2); c.6033+199G>A (NM_199460.4); c.5928+199G>A (NM_001129827.2); c.5844+199G>A (NM_001129832.2); c.5868+199G>A (NM_001129831.2); c.5841+199G>A (NM_001129833.2, NM_001129834.2, NM_001129835.2); and 6 more.
Identifiers: ClinVar variation 674573 (VCV000674573.5), dbSNP rs2270372, ClinGen allele CA231616215.

ClinVar aggregate classification (germline): Benign/Likely benign. Review status: criteria provided, multiple submitters, no conflicts (2 of 4 stars). 2 submissions from 2 submitters: Benign (1); Likely benign (1). Last evaluated 2019-12-31.

Conditions:
Long QT syndrome (LQTS). Identifiers: MedGen C0023976, MeSH D008133, MONDO:0002442. Disease mechanism: loss of function. Inheritance: Various modes of inheritance.

Allele frequency attached by ClinVar (database versions not stated): gnomAD 0.03693 and 0.03964; TOPMed 0.04402; 1000 Genomes Project 30x 0.06683; 1000 Genomes Project 0.06829.
gnomAD v4.1: 5,998 of 152,278 alleles (3.9%); highest among the groups gnomAD compares: East Asian, 15%; 255 homozygotes.

Submissions (2):

Labcorp Genetics (formerly Invitae), Labcorp
Classification: Benign for Long QT syndrome. Last evaluated: 2019-12-31. Review status: criteria provided, single submitter. Criteria: Invitae Variant Classification Sherloc (09022015). Collection method: clinical testing. Allele origin: germline.

GeneDx
Classification: Likely benign. Last evaluated: 2018-06-14. Review status: criteria provided, single submitter. Criteria: GeneDx Variant Classification (06012015). Collection method: clinical testing. Allele origin: germline. Affected: yes.
Comment: This variant is considered likely benign or benign based on one or more of the following criteria: it is a conservative change, it occurs at a poorly conserved position in the protein, it is predicted to be benign by multiple in silico algorithms, and/or has population frequency not consistent with disease.